The following is an entry in ClinVar:

ClinVar aggregate classification (germline): Conflicting classifications of pathogenicity. Review status: criteria provided, conflicting classifications (1 of 4 stars). 6 submissions from 6 submitters: Uncertain significance (2); Benign (1); Likely benign (2). 1 of the submissions does not count toward it. Last evaluated 2025-12-17.

Conditions:
IMPG2-related disorder. Also called: IMPG2-related condition.
Retinal dystrophy. Also called: Inherited retinal dystrophy. Identifiers: Orphanet 71862, MedGen C0854723, MeSH D058499, MONDO:0019118, HP:0000556.
Retinitis pigmentosa (RP). Identifiers: Orphanet 791, MedGen C0035334, MeSH D012174, MONDO:0019200, OMIM 268000. Inheritance: Autosomal dominant, autosomal recessive and X linked inheritance.

Allele frequency attached by ClinVar (database versions not stated): gnomAD 0.00023 and 0.00017; TOPMed 0.00031; ExAC 0.00052; gnomAD exomes 0.00059 and 0.00017; 1000 Genomes Project 30x 0.00125; 1000 Genomes Project 0.00140.
gnomAD v4.1: 288 of 1,614,182 alleles (0.018%); highest among the groups gnomAD compares: East Asian, 0.6%; 1 homozygote.

Submissions (6):

Labcorp Genetics (formerly Invitae), Labcorp
Classification: Benign. Last evaluated: 2025-12-17. Review status: criteria provided, single submitter. Criteria: Invitae Variant Classification Sherloc (09022015). Collection method: clinical testing. Allele origin: germline.

Blueprint Genetics
Classification: Likely benign. Last evaluated: 2024-09-05. Review status: criteria provided, single submitter. Criteria: ACMG Guidelines, 2015. Collection method: clinical testing. Allele origin: germline.

Dept Of Ophthalmology, Nagoya University
Classification: Likely benign for Retinal dystrophy. Last evaluated: 2023-10-01. Review status: criteria provided, single submitter. Criteria: Submitter's publication. Collection method: research. Allele origin: germline. Affected: yes.

CeGaT Center for Human Genetics Tuebingen
Classification: Uncertain significance. Last evaluated: 2020-01-01. Review status: criteria provided, single submitter. Criteria: CeGaT Center For Human Genetics Tuebingen Variant Classification Criteria Version 2. Collection method: clinical testing. Allele origin: germline. Affected: yes. Observed: 1 variant allele.

Illumina Laboratory Services, Illumina
Classification: Uncertain significance for Retinitis pigmentosa. Last evaluated: 2018-01-12. Review status: criteria provided, single submitter. Criteria: ICSL Variant Classification Criteria 13 December 2019. Collection method: clinical testing. Allele origin: germline.

PreventionGenetics, part of Exact Sciences
Classification: Benign for IMPG2-related condition. Last evaluated: 2019-08-02. Review status: no assertion criteria provided. Collection method: clinical testing. Allele origin: germline. Not counted in ClinVar's aggregate classification.
Comment: This variant is classified as benign based on ACMG/AMP sequence variant interpretation guidelines (Richards et al. 2015 PMID: 25741868, with internal and published modifications).

NM_016247.4(IMPG2):c.1382C>G (p.Thr461Arg)

Gene: IMPG2 (interphotoreceptor matrix proteoglycan 2; minus strand). Cytogenetic location: 3q12.3.
Variant type: single nucleotide variant.
Coding change: c.1382C>G on transcript NM_016247.4 (MANE Select); coding-DNA position 1382, C replaced by G.
Protein change: p.Thr461Arg; replaces threonine 461 with arginine.
Molecular consequence: missense variant.
Genome position (GRCh38, 1-based): chr3:101,245,963, G>C on the plus strand (C>G on the coding strand, the complement: IMPG2 is on the minus strand). VCF-style: chr3-101245963-G-C. GRCh37 (hg19) VCF-style: chr3-100964807-G-C.
Other names: short protein forms T461R.
Identifiers: ClinVar variation 342350 (VCV000342350.47), dbSNP rs201905772, ClinGen allele CA2519176.